The following is an entry in ClinVar:

ClinVar aggregate classification (germline): Benign. Review status: criteria provided, multiple submitters, no conflicts (2 of 4 stars). 3 submissions from 3 submitters: Benign (3). Last evaluated 2026-09-01.

Allele frequency attached by ClinVar (database versions not stated): 1000 Genomes Project 0.00339; 1000 Genomes Project 30x 0.00375; ExAC 0.00627; gnomAD exomes 0.00630 and 0.01073; TOPMed 0.00643; gnomAD 0.00647 and 0.00667; ESP Exome Variant Server 0.00807.
gnomAD v4.1: 16,595 of 1,614,230 alleles (1%); highest among the groups gnomAD compares: Non-Finnish European, 1.3%; 125 homozygotes.

Submissions (3):

CeGaT Center for Human Genetics Tuebingen
Classification: Benign. Last evaluated: 2026-09-01. Review status: criteria provided, single submitter. Criteria: CeGaT Center For Human Genetics Tuebingen Variant Classification Criteria Version 2. Collection method: clinical testing. Allele origin: germline. Affected: yes. Observed: 1 variant allele.
Comment: MOCS3: BP4, BS1, BS2

Labcorp Genetics (formerly Invitae), Labcorp
Classification: Benign. Last evaluated: 2026-02-02. Review status: criteria provided, single submitter. Criteria: Invitae Variant Classification Sherloc (09022015). Collection method: clinical testing. Allele origin: germline.

Breakthrough Genomics
Classification: Benign. Review status: criteria provided, single submitter. Criteria: ACMG Guidelines, 2015. Collection method: not provided. Allele origin: germline. Inheritance: Unknown mechanism. Affected: yes.

NM_014484.5(MOCS3):c.1285T>G (p.Ser429Ala)

Gene: MOCS3 (molybdenum cofactor synthesis 3; plus strand). Cytogenetic location: 20q13.13.
Variant type: single nucleotide variant.
Coding change: c.1285T>G on transcript NM_014484.5 (MANE Select); coding-DNA position 1285, T replaced by G.
Protein change: p.Ser429Ala; replaces serine 429 with alanine.
Molecular consequence: missense variant.
Genome position (GRCh38, 1-based): chr20:50,960,127, T>G. VCF-style: chr20-50960127-T-G. GRCh37 (hg19) VCF-style: chr20-49576664-T-G.
Other names: short protein forms S429A.
Identifiers: ClinVar variation 1166025 (VCV001166025.11), dbSNP rs7269297, ClinGen allele CA9909569.